The following is an entry in ClinVar:

ClinVar aggregate classification (germline): Uncertain significance (1 of 4 stars; one submission).

Conditions:
Myofibrillar myopathy 6. Identifiers: Orphanet 199340, MedGen C2751831, MONDO:0013061, OMIM 612954.
Dilated cardiomyopathy 1HH (CMD1HH). Identifiers: Orphanet 154, MedGen C3151293, MONDO:0013479, OMIM 613881.

Submission:

Labcorp Genetics (formerly Invitae), Labcorp
Classification: Uncertain significance for Dilated cardiomyopathy 1HH; Myofibrillar myopathy 6. Last evaluated: 2025-05-11. Review status: criteria provided, single submitter. Criteria: Invitae Variant Classification Sherloc (09022015). Collection method: clinical testing. Allele origin: germline.
Comment: This sequence change replaces proline, which is neutral and non-polar, with leucine, which is neutral and non-polar, at codon 334 of the BAG3 protein (p.Pro334Leu). Information on the frequency of this variant in the gnomAD database is not available, as this variant may be reported differently in the database. This variant has not been reported in the literature in individuals affected with BAG3-related conditions. An algorithm developed to predict the effect of missense changes on protein structure and function (PolyPhen-2) suggests that this variant is likely to be disruptive. In summary, the available evidence is currently insufficient to determine the role of this variant in disease. Therefore, it has been classified as a Variant of Uncertain Significance.

NM_004281.4(BAG3):c.1001_1002delinsTG (p.Pro334Leu)

Gene: BAG3 (BAG cochaperone 3; plus strand). Cytogenetic location: 10q26.11.
Variant type: Indel.
Coding change: c.1001_1002delinsTG on transcript NM_004281.4 (MANE Select); coding-DNA positions 1001 to 1002, CT replaced by TG.
Protein change: p.Pro334Leu; replaces proline 334 with leucine.
Molecular consequence: missense variant.
Genome position (GRCh38, 1-based): chr10:119,676,555-119,676,556, CT replaced by TG. VCF-style: chr10-119676555-CT-TG. GRCh37 (hg19) VCF-style: chr10-121436067-CT-TG.
Other names: short protein forms P334L.
Identifiers: ClinVar variation 4788995 (VCV004788995.1).